The following is an entry in ClinVar:

NM_001018005.2(TPM1):c.479G>A (p.Arg160His)

Gene: TPM1 (tropomyosin 1; plus strand). Cytogenetic location: 15q22.2.
Variant type: single nucleotide variant.
Coding change: c.479G>A on transcript NM_001018005.2 (MANE Select); coding-DNA position 479, G replaced by A.
Protein change: p.Arg160His; replaces arginine 160 with histidine.
Molecular consequence: missense variant.
Genome position (GRCh38, 1-based): chr15:63,059,667, G>A. VCF-style: chr15-63059667-G-A. GRCh37 (hg19) VCF-style: chr15-63351866-G-A.
Other names: c.479G>A, p.Arg160His (NM_000366.6, NM_001018004.2, NM_001018006.2 and 6 more transcripts); c.371G>A, p.Arg124His (NM_001018008.2, NM_001301289.2, NM_001330344.2 and 5 more transcripts); c.605G>A, p.Arg202His (NM_001365778.1); short protein forms R160H, R202H, R124H.
Identifiers: ClinVar variation 31899 (VCV000031899.15), dbSNP rs199476311, ClinGen allele CA018077.

ClinVar aggregate classification (germline): Pathogenic/Likely pathogenic. Review status: criteria provided, multiple submitters, no conflicts (2 of 4 stars). 7 submissions from 7 submitters: Pathogenic (3); Likely pathogenic (3). 1 of the submissions does not count toward it. Last evaluated 2025-07-14.

Conditions:
TPM1-related disorder. Also called: TPM1-related condition.
Dilated cardiomyopathy 1Y (CMD1Y). Identifiers: Orphanet 154, Orphanet 54260, MedGen C2678476, MONDO:0012744, OMIM 611878.
Hypertrophic cardiomyopathy 3. Also called: TPM1-Related Familial Hypertrophic Cardiomyopathy. Identifiers: MedGen C1861863, MONDO:0007267, OMIM 115196.
Primary dilated cardiomyopathy (DCM). Also called: Dilated Cardiomyopathy. Identifiers: Orphanet 217604, MedGen C0007193, MeSH D002311, MONDO:0005021, HP:0001644. Inheritance: Various modes of inheritance.
Hypertrophic cardiomyopathy. Also called: HYPERTROPHIC MYOCARDIOPATHY. Identifiers: Orphanet 217569, MedGen C0007194, MeSH D002312, MONDO:0005045, HP:0001639.

Submissions (7):

Human Genetics Bochum, Ruhr University Bochum
Classification: Pathogenic for Dilated cardiomyopathy 1Y; Hypertrophic cardiomyopathy 3. Last evaluated: 2025-07-14. Review status: criteria provided, single submitter. Criteria: ACMG Guidelines, 2015. Collection method: clinical testing. Allele origin: germline. Affected: yes.
Comment: de novo; ACMG criteria used to clasify this variant: PS2, PM1, PP3_mod, PM2, PP2

Labcorp Genetics (formerly Invitae), Labcorp
Classification: Pathogenic for Hypertrophic cardiomyopathy. Last evaluated: 2023-11-27. Review status: criteria provided, single submitter. Criteria: Invitae Variant Classification Sherloc (09022015). Collection method: clinical testing. Allele origin: germline.
Comment: This sequence change replaces arginine, which is basic and polar, with histidine, which is basic and polar, at codon 160 of the TPM1 protein (p.Arg160His). This variant is not present in population databases (gnomAD no frequency). This missense change has been observed in individual(s) with clinical features of TPM1-related conditions (PMID: 20530761, 34076677, 34935411; Invitae). In at least one individual the variant was observed to be de novo. This variant is also known as c.605G>A; p.R202H. ClinVar contains an entry for this variant (Variation ID: 31899). An algorithm developed to predict the effect of missense changes on protein structure and function (PolyPhen-2) suggests that this variant is likely to be disruptive. For these reasons, this variant has been classified as Pathogenic.

Blueprint Genetics
Classification: Likely pathogenic for TPM1-related disorders. Last evaluated: 2020-12-11. Review status: criteria provided, single submitter. Criteria: ACMG Guidelines, 2015. Collection method: clinical testing. Allele origin: germline. Affected: yes. Observed: 2 variant alleles.

GeneDx
Classification: Pathogenic. Last evaluated: 2020-06-18. Review status: criteria provided, single submitter. Criteria: GeneDx Variant Classification Process June 2021. Collection method: clinical testing. Allele origin: germline. Affected: yes.
Comment: Not observed in large population cohorts (Lek et al., 2016); In silico analysis supports that this missense variant has a deleterious effect on protein structure/function; This variant is associated with the following publications: (PMID: 25241052, 20530761, 28759816)

Baylor Genetics
Classification: Likely pathogenic for Dilated cardiomyopathy 1Y. Last evaluated: 2020-01-11. Review status: criteria provided, single submitter. Criteria: ACMG Guidelines, 2015. Collection method: clinical testing. Allele origin: unknown. Affected: yes.
Comment: This variant was determined to be likely pathogenic according to ACMG Guidelines, 2015 [PMID:25741868].

Laboratory for Molecular Medicine, Mass General Brigham Personalized Medicine
Classification: Likely pathogenic for Primary dilated cardiomyopathy. Last evaluated: 2010-09-27. Review status: criteria provided, single submitter. Criteria: LMM Criteria. Collection method: clinical testing. Allele origin: germline. Observed: 1 variant allele.

Leiden Muscular Dystrophy (TPM1)
No classification provided. Last evaluated: 2012-04-15. Review status: no classification provided. Collection method: curation. Allele origin: de novo. Not counted in ClinVar's aggregate classification.

Literature cited by the submitters: PubMed 20530761 (cited by 3 submitters); PubMed 34076677 (cited by Human Genetics Bochum, Ruhr University Bochum and Labcorp Genetics (formerly Invitae), Labcorp); PubMed 34935411 (cited by Labcorp Genetics (formerly Invitae), Labcorp).